The following is an entry in ClinVar:

NM_005026.5(PIK3CD):c.1709C>T (p.Ser570Phe)

Gene: PIK3CD (phosphatidylinositol-4,5-bisphosphate 3-kinase catalytic subunit delta; plus strand). Cytogenetic location: 1p36.22.
Variant type: single nucleotide variant.
Coding change: c.1709C>T on transcript NM_005026.5 (MANE Select); coding-DNA position 1709, C replaced by T.
Protein change: p.Ser570Phe; replaces serine 570 with phenylalanine.
Molecular consequence: missense variant.
Genome position (GRCh38, 1-based): chr1:9,721,146, C>T. VCF-style: chr1-9721146-C-T. GRCh37 (hg19) VCF-style: chr1-9781204-C-T.
Other names: c.1709C>T (LRG_191t1); c.1706C>T, p.Ser569Phe (NM_001350234.2); c.1622C>T, p.Ser541Phe (NM_001350235.1); short protein forms S569F, S541F, S570F.
Identifiers: ClinVar variation 651306 (VCV000651306.9), dbSNP rs1302155596, ClinGen allele CA338304140.

ClinVar aggregate classification (germline): Uncertain significance (1 of 4 stars; one submission).

Conditions:
Immunodeficiency 14 (IMD14A). Also called: p110-DELTA-ACTIVATING MUTATION CAUSING SENESCENT T CELLS, LYMPHADENOPATHY, AND IMMUNODEFICIENCY; IMMUNODEFICIENCY 14A WITH LYMPHOPROLIFERATION, AUTOSOMAL DOMINANT; ACTIVATED PI3K-DELTA SYNDROME 1; Activated PI3K Delta Syndrome Type 1 (APDS1). Identifiers: Orphanet 397596, Orphanet 693661, MedGen C5907821, MONDO:0014222, OMIM 615513.

Allele frequency attached by ClinVar (database versions not stated): gnomAD 0.00001; gnomAD exomes below 0.00001; TOPMed below 0.00001.
gnomAD v4.1: 4 of 1,612,410 alleles (0.00025%); highest among the groups gnomAD compares: Non-Finnish European, 0.00025%; no homozygotes.

Submission:

Labcorp Genetics (formerly Invitae), Labcorp
Classification: Uncertain significance for Activated PI3K-delta syndrome. Last evaluated: 2025-08-02. Review status: criteria provided, single submitter. Criteria: Invitae Variant Classification Sherloc (09022015). Collection method: clinical testing. Allele origin: germline.
Comment: This sequence change replaces serine, which is neutral and polar, with phenylalanine, which is neutral and non-polar, at codon 570 of the PIK3CD protein (p.Ser570Phe). This variant is present in population databases (no rsID available, gnomAD 0.0009%). This variant has not been reported in the literature in individuals affected with PIK3CD-related conditions. ClinVar contains an entry for this variant (Variation ID: 651306). Invitae Evidence Modeling of protein sequence and biophysical properties (such as structural, functional, and spatial information, amino acid conservation, physicochemical variation, residue mobility, and thermodynamic stability) indicates that this missense variant is not expected to disrupt PIK3CD protein function with a negative predictive value of 80%. In summary, the available evidence is currently insufficient to determine the role of this variant in disease. Therefore, it has been classified as a Variant of Uncertain Significance.